The following is an entry in ClinVar:

NM_000784.4(CYP27A1):c.1124C>T (p.Pro375Leu)

Gene: CYP27A1 (cytochrome P450 family 27 subfamily A member 1; plus strand). Cytogenetic location: 2q35.
Variant type: single nucleotide variant.
Coding change: c.1124C>T on transcript NM_000784.4 (MANE Select); coding-DNA position 1124, C replaced by T.
Protein change: p.Pro375Leu; replaces proline 375 with leucine.
Molecular consequence: missense variant.
Genome position (GRCh38, 1-based): chr2:218,814,127, C>T. VCF-style: chr2-218814127-C-T. GRCh37 (hg19) VCF-style: chr2-219678850-C-T.
Other names: short protein forms P375L.
Identifiers: ClinVar variation 2446925 (VCV002446925.2), dbSNP rs1316742821, ClinGen allele CA350592157.

ClinVar aggregate classification (germline): Uncertain significance (1 of 4 stars; one submission).

Conditions:
Cardiovascular phenotype. Identifiers: MedGen CN230736.

gnomAD v4.1: 1 of 1,614,248 alleles (0.000062%); no homozygotes.

Submission:

Ambry Genetics
Classification: Uncertain significance for Cardiovascular phenotype. Last evaluated: 2023-01-12. Review status: criteria provided, single submitter. Criteria: Ambry Variant Classification Scheme 2023. Collection method: clinical testing. Allele origin: germline.
Comment: The p.P375L variant (also known as c.1124C>T), located in coding exon 6 of the CYP27A1 gene, results from a C to T substitution at nucleotide position 1124. The proline at codon 375 is replaced by leucine, an amino acid with similar properties. This amino acid position is conserved. In addition, the in silico prediction for this alteration is inconclusive. Since supporting evidence is limited at this time, the clinical significance of this alteration remains unclear.